The following is an entry in ClinVar:

NM_198253.3(TERT):c.967C>T (p.Pro323Ser)

Gene: TERT (telomerase reverse transcriptase; minus strand). Cytogenetic location: 5p15.33.
Variant type: single nucleotide variant.
Coding change: c.967C>T on transcript NM_198253.3 (MANE Select); coding-DNA position 967, C replaced by T.
Protein change: p.Pro323Ser; replaces proline 323 with serine.
Molecular consequence: missense variant. On other transcripts: non-coding transcript variant (2).
Genome position (GRCh38, 1-based): chr5:1,293,919, G>A on the plus strand (C>T on the coding strand, the complement: TERT is on the minus strand). VCF-style: chr5-1293919-G-A. GRCh37 (hg19) VCF-style: chr5-1294034-G-A.
Other names: c.967C>T, p.Pro323Ser (NM_001193376.3); short protein forms P323S.
Identifiers: ClinVar variation 4841361 (VCV004841361.1).

ClinVar aggregate classification (germline): Uncertain significance (1 of 4 stars; one submission).

Conditions:
Dyskeratosis congenita. Identifiers: Orphanet 1775, MedGen C0265965, MONDO:0015780.

gnomAD v4.1: 2 of 1,542,432 alleles (0.00013%); highest among the groups gnomAD compares: East Asian, 0.0024%; no homozygotes.

Submission:

Ambry Genetics
Classification: Uncertain significance for Dyskeratosis congenita. Last evaluated: 2026-01-06. Review status: criteria provided, single submitter. Criteria: Ambry Variant Classification Scheme 2023. Collection method: clinical testing. Allele origin: germline.
Comment: The p.P323S variant (also known as c.967C>T), located in coding exon 2 of the TERT gene, results from a C to T substitution at nucleotide position 967. The proline at codon 323 is replaced by serine, an amino acid with similar properties. This amino acid position is conserved. In addition, this alteration is predicted to be tolerated by in silico analysis. Based on the available evidence, the clinical significance of this variant remains unclear.